The following is an entry in ClinVar:

ClinVar aggregate classification (germline): Conflicting classifications of pathogenicity. Review status: criteria provided, conflicting classifications (1 of 4 stars). 4 submissions from 4 submitters: Uncertain significance (1); Benign (1); Likely benign (2). Last evaluated 2024-06-18.

Conditions:
Familial cancer of breast. Also called: hereditary breast carcinoma; Hereditary breast cancer; BREAST CANCER, FAMILIAL. Identifiers: Orphanet 227535, MedGen C0346153, MONDO:0016419, OMIM 114480. Disease mechanism: loss of function.
Ataxia-telangiectasia syndrome (AT). Also called: Ataxia-telangiectasia, complementation group D; Ataxia-telangiectasia, complementation group E; LOUIS-BAR SYNDROME; AT, COMPLEMENTATION GROUP C; ATAXIA-TELANGIECTASIA, COMPLEMENTATION GROUP A; ATAXIA-TELANGIECTASIA, FRESNO VARIANT. Identifiers: Orphanet 100, MedGen C0004135, MONDO:0008840, OMIM 208900.
Hereditary cancer-predisposing syndrome. Also called: Neoplastic Syndromes, Hereditary; Hereditary neoplastic syndrome; Hereditary Cancer Syndrome; Tumor predisposition. Identifiers: Orphanet 140162, MedGen C0027672, MeSH D009386, MONDO:0015356.

Allele frequency attached by ClinVar (database versions not stated): gnomAD exomes below 0.00001.
gnomAD v4.1: 1 of 1,602,216 alleles (0.000062%); highest among the groups gnomAD compares: Admixed American, 0.0017%; no homozygotes.

Submissions (4):

Myriad Genetics, Inc.
Classification: Benign for Familial cancer of breast. Last evaluated: 2024-06-18. Review status: criteria provided, single submitter. Criteria: Myriad Autosomal Dominant, Autosomal Recessive and X-Linked Classification Criteria (2023). Collection method: clinical testing. Allele origin: unknown.
Comment: This variant is considered benign. This variant is a silent/synonymous amino acid change and it is not expected to impact splicing.

Ambry Genetics
Classification: Uncertain significance for Hereditary cancer-predisposing syndrome. Last evaluated: 2023-12-12. Review status: criteria provided, single submitter. Criteria: Ambry Variant Classification Scheme 2023. Collection method: clinical testing. Allele origin: germline.
Comment: The c.8262T>G variant (also known as p.T2754T), located in coding exon 55 of the ATM gene, results from a T to G substitution at nucleotide position 8262. This nucleotide substitution does not change the threonine at codon 2754. This nucleotide position is poorly conserved in available vertebrate species. In silico splice site analysis predicts that this alteration will result in the creation or strengthening of a novel splice donor site. Since supporting evidence is limited at this time, the clinical significance of this alteration remains unclear.

Labcorp Genetics (formerly Invitae), Labcorp
Classification: Likely benign for Ataxia-telangiectasia syndrome. Last evaluated: 2020-11-05. Review status: criteria provided, single submitter. Criteria: Invitae Variant Classification Sherloc (09022015). Collection method: clinical testing. Allele origin: germline.

GeneDx
Classification: Likely benign. Last evaluated: 2016-01-11. Review status: criteria provided, single submitter. Criteria: GeneDx Variant Classification (06012015). Collection method: clinical testing. Allele origin: germline. Affected: yes.
Comment: This variant is considered likely benign or benign based on one or more of the following criteria: it is a conservative change, it occurs at a poorly conserved position in the protein, it is predicted to be benign by multiple in silico algorithms, and/or has population frequency not consistent with disease.

NM_000051.4(ATM):c.8262T>G (p.Thr2754=)

Genes: ATM (ATM serine/threonine kinase; plus strand), C11orf65 (chromosome 11 open reading frame 65; minus strand). Cytogenetic location: 11q22.3.
Variant type: single nucleotide variant.
Coding change: c.8262T>G on transcript NM_000051.4 (MANE Select); coding-DNA position 8262, T replaced by G.
Protein change: p.Thr2754=; no amino-acid change (threonine 2754 retained).
Molecular consequence: synonymous variant. On other transcripts: intron variant (2).
Genome position (GRCh38, 1-based): chr11:108,335,955, T>G. VCF-style: chr11-108335955-T-G. GRCh37 (hg19) VCF-style: chr11-108206682-T-G.
Other names: c.8262T>G, p.Thr2754= (NM_001351834.2); c.641-26884A>C (NM_001330368.2); c.695-663A>C (NM_001351110.2).
Identifiers: ClinVar variation 383023 (VCV000383023.11), dbSNP rs1057521506, ClinGen allele CA16605840.